The following is an entry in ClinVar:

ClinVar aggregate classification (germline): Uncertain significance (1 of 4 stars; one submission).

gnomAD v4.1: 2 of 1,612,014 alleles (0.00012%); highest among the groups gnomAD compares: Admixed American, 0.0033%; no homozygotes.

Submission:

GeneDx
Classification: Uncertain significance. Last evaluated: 2025-06-05. Review status: criteria provided, single submitter. Criteria: GeneDx Variant Classification Process June 2021. Collection method: clinical testing. Allele origin: germline. Affected: yes.
Comment: Not observed at significant frequency in large population cohorts (gnomAD); Missense variant in a gene in which most reported pathogenic variants are truncating/loss of function; Has not been previously published as pathogenic or benign to our knowledge

NM_001267550.2(TTN):c.64986A>T (p.Glu21662Asp)

Genes: TTN (titin; minus strand), TTN-AS1 (TTN antisense RNA 1; plus strand). Cytogenetic location: 2q31.2.
Variant type: single nucleotide variant.
Coding change: c.64986A>T on transcript NM_001267550.2 (MANE Select); coding-DNA position 64986, A replaced by T.
Protein change: p.Glu21662Asp; replaces glutamic acid 21662 with aspartic acid.
Molecular consequence: missense variant.
Genome position (GRCh38, 1-based): chr2:178,584,565, T>A on the plus strand (A>T on the coding strand, the complement: TTN is on the minus strand). VCF-style: chr2-178584565-T-A. GRCh37 (hg19) VCF-style: chr2-179449292-T-A.
Other names: c.60063A>T, p.Glu20021Asp (NM_001256850.1); c.37791A>T, p.Glu12597Asp (NM_003319.4); c.57282A>T, p.Glu19094Asp (NM_133378.4); c.38166A>T, p.Glu12722Asp (NM_133432.3); c.38367A>T, p.Glu12789Asp (NM_133437.4); short protein forms E12597D, E12722D, E12789D, E19094D, E20021D, E21662D.
Identifiers: ClinVar variation 4536180 (VCV004536180.1).
Genomic context (GRCh38, chr2:178,584,565, plus strand): 5'-TCTGTCCCAAGCAACAAAAATACAGTCCTTGTTGACTTTGGTGACTCGTGCATTCTTTGG[T>A]TCACTAGGAACACCTGGAGATGAAGACAAGGAAGATGTCAGTTTCTACATTAAGTAACAA-3'
Protein context (NP_001254479.2, residues 21652-21672): VAQFPFGVPS[Glu21662Asp]PKNARVTKVN